The following is an entry in ClinVar:

NM_001204.7(BMPR2):c.3110G>A (p.Cys1037Tyr)

Gene: BMPR2 (bone morphogenetic protein receptor type 2; plus strand). Cytogenetic location: 2q33.2.
Variant type: single nucleotide variant.
Coding change: c.3110G>A on transcript NM_001204.7 (MANE Select); coding-DNA position 3110, G replaced by A.
Protein change: p.Cys1037Tyr; replaces cysteine 1037 with tyrosine.
Molecular consequence: missense variant.
Genome position (GRCh38, 1-based): chr2:202,559,939, G>A. VCF-style: chr2-202559939-G-A. GRCh37 (hg19) VCF-style: chr2-203424662-G-A.
Other names: short protein forms C1037Y.
Identifiers: ClinVar variation 4597161 (VCV004597161.1).

ClinVar aggregate classification (germline): Uncertain significance (1 of 4 stars; one submission).

Conditions:
Inborn genetic diseases. Identifiers: MedGen C0950123, MeSH D030342.

Submission:

Ambry Genetics
Classification: Uncertain significance for Inborn genetic diseases. Last evaluated: 2025-09-29. Review status: criteria provided, single submitter. Criteria: Ambry Variant Classification Scheme 2023. Collection method: clinical testing. Allele origin: germline.
Comment: The p.C1037Y variant (also known as c.3110G>A), located in coding exon 13 of the BMPR2 gene, results from a G to A substitution at nucleotide position 3110. The cysteine at codon 1037 is replaced by tyrosine, an amino acid with highly dissimilar properties. This amino acid position is conserved. In addition, this alteration is predicted to be deleterious by in silico analysis. Based on the available evidence, the clinical significance of this variant remains unclear.